The following is an entry in ClinVar:

ClinVar aggregate classification (germline): Likely benign. Review status: criteria provided, single submitter (1 of 4 stars). 2 submissions from 2 submitters: Likely benign (1). 1 of the submissions does not count toward it. Last evaluated 2024-05-15.

Conditions:
Vici syndrome (VICIS). Identifiers: Orphanet 1493, MedGen C1855772, MONDO:0009452, OMIM 242840.
EPG5-related disorder. Also called: EPG5-related condition. Identifiers: MedGen CN381528.

Allele frequency attached by ClinVar (database versions not stated): gnomAD exomes below 0.00001; gnomAD 0.00001.
gnomAD v4.1: 2 of 1,613,416 alleles (0.00012%); highest among the groups gnomAD compares: Admixed American, 0.0033%; no homozygotes.

Submissions (2):

Labcorp Genetics (formerly Invitae), Labcorp
Classification: Likely benign for Vici syndrome. Last evaluated: 2024-05-15. Review status: criteria provided, single submitter. Criteria: Invitae Variant Classification Sherloc (09022015). Collection method: clinical testing. Allele origin: germline.

PreventionGenetics, part of Exact Sciences
Classification: Likely benign for EPG5-related condition. Last evaluated: 2023-12-12. Review status: no assertion criteria provided. Collection method: clinical testing. Allele origin: germline. Not counted in ClinVar's aggregate classification.
Comment: This variant is classified as likely benign based on ACMG/AMP sequence variant interpretation guidelines (Richards et al. 2015 PMID: 25741868, with internal and published modifications).

NM_020964.3(EPG5):c.7245A>C (p.Ala2415=)

Gene: EPG5 (ectopic P-granules 5 autophagy tethering factor; minus strand). Cytogenetic location: 18q12.3.
Variant type: single nucleotide variant.
Coding change: c.7245A>C on transcript NM_020964.3 (MANE Select); coding-DNA position 7245, A replaced by C.
Protein change: p.Ala2415=; no amino-acid change (alanine 2415 retained).
Molecular consequence: synonymous variant.
Genome position (GRCh38, 1-based): chr18:45,858,050, T>G on the plus strand (A>C on the coding strand, the complement: EPG5 is on the minus strand). VCF-style: chr18-45858050-T-G. GRCh37 (hg19) VCF-style: chr18-43438015-T-G.
Identifiers: ClinVar variation 755047 (VCV000755047.13), dbSNP rs1245397728, ClinGen allele CA503794673.
Genomic context (GRCh38, chr18:45,858,050, plus strand): 5'-ATTCTGCTCTGTCTGAATGAGGGAGAGCTGAAGGACTTGGTGCCACCACAAAAACAGCTT[T>G]GCCTCTTCCTCCACGGAGCTAGGGGAGGCACCGGAGGAAAATAAAATTAGAAGTAAATTT-3'
Protein context (NP_066015.2, residues 2405-2425): QVYPSSVEEE[Ala2415=]KLFLWWHQVL